The following is an entry in ClinVar:

NM_138694.4(PKHD1):c.10414T>G (p.Cys3472Gly)

Gene: PKHD1 (PKHD1 ciliary IPT domain containing fibrocystin/polyductin; minus strand). Cytogenetic location: 6p12.3.
Variant type: single nucleotide variant.
Coding change: c.10414T>G on transcript NM_138694.4 (MANE Select); coding-DNA position 10414, T replaced by G.
Protein change: p.Cys3472Gly; replaces cysteine 3472 with glycine.
Molecular consequence: missense variant.
Genome position (GRCh38, 1-based): chr6:51,659,712, A>C on the plus strand (T>G on the coding strand, the complement: PKHD1 is on the minus strand). VCF-style: chr6-51659712-A-C. GRCh37 (hg19) VCF-style: chr6-51524510-A-C.
Other names: short protein forms C3472G.
Identifiers: ClinVar variation 848366 (VCV000848366.10), dbSNP rs1772510920, ClinGen allele CA364435670.

ClinVar aggregate classification (germline): Likely pathogenic. Review status: criteria provided, multiple submitters, no conflicts (2 of 4 stars). 3 submissions from 3 submitters: Likely pathogenic (3). Last evaluated 2025-09-23.

Conditions:
Polycystic kidney disease 4 (PKD4). Also called: POLYCYSTIC KIDNEY AND HEPATIC DISEASE 1; POLYCYSTIC KIDNEY DISEASE, INFANTILE, TYPE I; POLYCYSTIC KIDNEY DISEASE 4 WITH OR WITHOUT POLYCYSTIC LIVER DISEASE; Autosomal Recessive Polycystic Kidney Disease – PKHD1; PKD3. Identifiers: MedGen C4540575, MONDO:0033004, OMIM 263200.
Autosomal recessive polycystic kidney disease (ARPKD). Also called: AR polycystic kidney disease. Identifiers: Orphanet 731, Orphanet 8378, MedGen C0085548, MeSH D017044, MONDO:0009889.

gnomAD v4.1: 4 of 1,613,880 alleles (0.00025%); highest among the groups gnomAD compares: Non-Finnish European, 0.00025%; no homozygotes.

Submissions (3):

Natera, Inc.
Classification: Likely pathogenic for Autosomal recessive polycystic kidney disease. Last evaluated: 2025-09-23. Review status: criteria provided, single submitter. Criteria: Natera Variant Classification Schema (03/2026). Collection method: clinical testing. Allele origin: germline.
Comment: The c.10414T>G variant in PKHD1 is a missense variant predicted to cause substitution of cysteine to glycine at amino acid 3472. This variant is rare in the general population with a frequency below the threshold expected for the associated phenotype(s). This variant has been observed in one or more individuals affected with the associated recessive disease, as either homozygous or compound heterozygous with a second variant (PMID: 34536170, 38885798). Computational prediction algorithms indicate this variant is likely to affect gene or protein function. Given the available evidence, this variant is classified as Likely Pathogenic.

Labcorp Genetics (formerly Invitae), Labcorp
Classification: Likely pathogenic for Autosomal recessive polycystic kidney disease. Last evaluated: 2023-03-23. Review status: criteria provided, single submitter. Criteria: Invitae Variant Classification Sherloc (09022015). Collection method: clinical testing. Allele origin: germline.
Comment: In summary, the currently available evidence indicates that the variant is pathogenic, but additional data are needed to prove that conclusively. Therefore, this variant has been classified as Likely Pathogenic. Advanced modeling of protein sequence and biophysical properties (such as structural, functional, and spatial information, amino acid conservation, physicochemical variation, residue mobility, and thermodynamic stability) performed at Invitae indicates that this missense variant is expected to disrupt PKHD1 protein function. ClinVar contains an entry for this variant (Variation ID: 848366). This missense change has been observed in individual(s) with clinical features of polycystic kidney disease (PMID: 34536170; Invitae). In at least one individual the data is consistent with being in trans (on the opposite chromosome) from a pathogenic variant. This variant is not present in population databases (gnomAD no frequency). This sequence change replaces cysteine, which is neutral and slightly polar, with glycine, which is neutral and non-polar, at codon 3472 of the PKHD1 protein (p.Cys3472Gly).

Neuberg Centre For Genomic Medicine, NCGM
Classification: Likely pathogenic for Polycystic kidney disease 4. Review status: criteria provided, single submitter. Criteria: ACMG Guidelines, 2015. Collection method: clinical testing. Allele origin: germline. Inheritance: Autosomal recessive inheritance. Affected: yes.
Comment: The amino acid Cys at position 3472 is changed to a Gly changing protein sequence and it might alter its composition and physico-chemical properties

Literature cited by the submitters: PubMed 34536170 (cited by Natera, Inc. and Labcorp Genetics (formerly Invitae), Labcorp); PubMed 38885798 (cited by Natera, Inc.).